The following is an entry in ClinVar:

ClinVar aggregate classification (germline): Uncertain significance (1 of 4 stars; one submission).

Conditions:
PARP4-related condition.

gnomAD v4.1: 1 of 1,614,014 alleles (0.000062%); highest among the groups gnomAD compares: Non-Finnish European, 0.000085%; no homozygotes.

Submission:

PreventionGenetics, part of Exact Sciences
Classification: Uncertain significance for PARP4-related condition. Last evaluated: 2025-07-04. Review status: criteria provided, single submitter. Criteria: ACMG Guidelines, 2015. Collection method: clinical testing. Allele origin: germline.
Comment: The PARP4 c.4229A>G variant is predicted to result in the amino acid substitution p.Gln1410Arg. To our knowledge, this variant has not been reported in the literature or in a large population database (gnomAD), indicating this variant is rare. At this time, the clinical significance of this variant is uncertain due to the absence of conclusive functional and genetic evidence.

NM_006437.4(PARP4):c.4229A>G (p.Gln1410Arg)

Gene: PARP4 (poly(ADP-ribose) polymerase family member 4; minus strand). Cytogenetic location: 13q12.12.
Variant type: single nucleotide variant.
Coding change: c.4229A>G on transcript NM_006437.4 (MANE Select); coding-DNA position 4229, A replaced by G.
Protein change: p.Gln1410Arg; replaces glutamine 1410 with arginine.
Molecular consequence: missense variant.
Genome position (GRCh38, 1-based): chr13:24,434,912, T>C on the plus strand (A>G on the coding strand, the complement: PARP4 is on the minus strand). VCF-style: chr13-24434912-T-C. GRCh37 (hg19) VCF-style: chr13-25009050-T-C.
Other names: short protein forms Q1410R.
Identifiers: ClinVar variation 4997048 (VCV004997048.1).